The following is an entry in ClinVar:

ClinVar aggregate classification (germline): Pathogenic. Review status: criteria provided, multiple submitters, no conflicts (2 of 4 stars). 3 submissions from 3 submitters: Pathogenic (3). Last evaluated 2023-07-01.

Conditions:
Hereditary spastic paraplegia 4. Also called: Spastic Paraplegia 4; Familial spastic paraplegia autosomal dominant 2; Spastic paraplegia 4, autosomal dominant. Identifiers: Orphanet 100985, MedGen C1866855, MONDO:0008438, OMIM 182601.

Submissions (3):

CeGaT Center for Human Genetics Tuebingen
Classification: Pathogenic. Last evaluated: 2023-07-01. Review status: criteria provided, single submitter. Criteria: CeGaT Center For Human Genetics Tuebingen Variant Classification Criteria Version 2. Collection method: clinical testing. Allele origin: germline. Affected: yes. Observed: 2 variant alleles.
Comment: SPAST: PVS1, PM2

Labcorp Genetics (formerly Invitae), Labcorp
Classification: Pathogenic for Hereditary spastic paraplegia 4. Last evaluated: 2022-02-27. Review status: criteria provided, single submitter. Criteria: Invitae Variant Classification Sherloc (09022015). Collection method: clinical testing. Allele origin: germline.
Comment: For these reasons, this variant has been classified as Pathogenic. Algorithms developed to predict the effect of sequence changes on RNA splicing suggest that this variant may disrupt the consensus splice site. ClinVar contains an entry for this variant (Variation ID: 989184). Disruption of this splice site has been observed in individuals with hereditary spastic paraplegia (PMID: 20491894; Invitae). This variant is not present in population databases (gnomAD no frequency). This sequence change affects a donor splice site in intron 12 of the SPAST gene. It is expected to disrupt RNA splicing. Variants that disrupt the donor or acceptor splice site typically lead to a loss of protein function (PMID: 16199547), and loss-of-function variants in SPAST are known to be pathogenic (PMID: 20932283).

Paris Brain Institute, Inserm - ICM
Classification: Pathogenic for Hereditary spastic paraplegia 4. Review status: criteria provided, single submitter. Criteria: ACMG Guidelines, 2015. Collection method: clinical testing. Allele origin: unknown. Affected: yes. Observed: 1 variant allele.

Literature cited by the submitters: PubMed 20491894 (cited by Labcorp Genetics (formerly Invitae), Labcorp); PubMed 16199547 (cited by Labcorp Genetics (formerly Invitae), Labcorp); PubMed 20932283 (cited by Labcorp Genetics (formerly Invitae), Labcorp).

NM_014946.4(SPAST):c.1493+1G>T

Gene: SPAST (spastin; plus strand). Cytogenetic location: 2p22.3.
Variant type: single nucleotide variant.
Coding change: c.1493+1G>T on transcript NM_014946.4 (MANE Select); the canonical splice donor site of the intron after coding-DNA position 1493, G replaced by T.
Molecular consequence: splice donor variant.
Genome position (GRCh38, 1-based): chr2:32,137,189, G>T. VCF-style: chr2-32137189-G-T. GRCh37 (hg19) VCF-style: chr2-32362258-G-T.
Other names: c.1490+1G>T (NM_001363823.2); c.1394+1G>T (NM_001363875.2); c.1397+1G>T (NM_199436.2, NM_001377959.1).
Identifiers: ClinVar variation 989184 (VCV000989184.37), dbSNP rs1553318351, ClinGen allele CA346502552.